The following is an entry in ClinVar:

NM_001037333.3(CYFIP2):c.302A>T (p.Gln101Leu)

Gene: CYFIP2 (cytoplasmic FMR1 interacting protein 2; plus strand). Cytogenetic location: 5q33.3.
Variant type: single nucleotide variant.
Coding change: c.302A>T on transcript NM_001037333.3 (MANE Select); coding-DNA position 302, A replaced by T.
Protein change: p.Gln101Leu; replaces glutamine 101 with leucine.
Molecular consequence: missense variant.
Genome position (GRCh38, 1-based): chr5:157,296,689, A>T. VCF-style: chr5-157296689-A-T. GRCh37 (hg19) VCF-style: chr5-156723697-A-T.
Other names: c.224A>T, p.Gln75Leu (NM_001291721.2); c.302A>T, p.Gln101Leu (NM_001291722.2, NM_014376.4); short protein forms Q101L, Q75L.
Identifiers: ClinVar variation 4869559 (VCV004869559.1).

ClinVar aggregate classification (germline): Uncertain significance (1 of 4 stars; one submission).

Conditions:
Inborn genetic diseases. Identifiers: MedGen C0950123, MeSH D030342.

Submission:

Ambry Genetics
Classification: Uncertain significance for Inborn genetic diseases. Last evaluated: 2026-04-06. Review status: criteria provided, single submitter. Criteria: Ambry Variant Classification Scheme 2023. Collection method: clinical testing. Allele origin: germline.
Comment: The c.302A>T (p.Q101L) alteration is located in exon 5 (coding exon 4) of the CYFIP2 gene. This alteration results from an A to T substitution at nucleotide position 302, causing the glutamine (Q) at amino acid position 101 to be replaced by a leucine (L). This variant was not reported in population-based cohorts in the Genome Aggregation Database (gnomAD). This amino acid position is highly conserved in available vertebrate species. This missense variant is located in a region that has a low rate of benign missense variation (Lek, 2016; Firth, 2009). The in silico prediction for this alteration is inconclusive. Based on insufficient or conflicting evidence, the clinical significance of this alteration remains unclear.